The following is an entry in ClinVar:

NM_206926.2(SELENON):c.301+855G>A

Gene: SELENON (selenoprotein N; plus strand). Cytogenetic location: 1p36.11.
Variant type: single nucleotide variant.
Coding change: c.301+855G>A on transcript NM_206926.2 (MANE Select); 855 bases into the intron after coding-DNA position 301, G replaced by A.
Molecular consequence: intron variant. On other transcripts: splice acceptor variant (1).
Genome position (GRCh38, 1-based): chr1:25,802,015, G>A. VCF-style: chr1-25802015-G-A. GRCh37 (hg19) VCF-style: chr1-26128506-G-A.
Other names: c.302-1G>A (NM_020451.3).
Identifiers: ClinVar variation 3583514 (VCV003583514.1).

ClinVar aggregate classification (germline): no classifications from unflagged records (0 of 4 stars; one submission).

Conditions:
Eichsfeld type congenital muscular dystrophy (CMYO3). Also called: MYOPATHY, SEPN1-RELATED; SELENON-related myopathy; Congenital myopathy 3 with rigid spine; Rigid spine muscular dystrophy 1. Identifiers: MedGen C0410180, MONDO:0100100, OMIM 602771.

Submission:

Fulgent Genetics
Classification: Likely pathogenic for Eichsfeld type congenital muscular dystrophy. Last evaluated: 2024-05-07. Review status: flagged submission. Criteria: ACMG Guidelines, 2015. Collection method: clinical testing. Allele origin: germline.
ClinVar note: Notes: This variant occurs in a poorly expressed exon, absent from the most highly expressed transcript of this gene. Additional evidence besides predicted LOF effect is needed.
ClinVar note: Reason: Claim with insufficient supporting evidence